The following is an entry in ClinVar:

NM_001206927.2(DNAH8):c.9943G>A (p.Ala3315Thr)

Genes: DNAH8 (dynein axonemal heavy chain 8; plus strand), DNAH8-AS1 (DNAH8 antisense RNA 1; minus strand). Cytogenetic location: 6p21.2.
Variant type: single nucleotide variant.
Coding change: c.9943G>A on transcript NM_001206927.2 (MANE Select); coding-DNA position 9943, G replaced by A.
Protein change: p.Ala3315Thr; replaces alanine 3315 with threonine.
Molecular consequence: missense variant.
Genome position (GRCh38, 1-based): chr6:38,913,932, G>A. VCF-style: chr6-38913932-G-A. GRCh37 (hg19) VCF-style: chr6-38881708-G-A.
Other names: p.Ala3315Thr; c.9292G>A, p.Ala3098Thr (NM_001371.4); short protein forms A3315T, A3098T.
Identifiers: ClinVar variation 414418 (VCV000414418.13), dbSNP rs76387239, ClinGen allele CA3790613.
Genomic context (GRCh38, chr6:38,913,932, plus strand): 5'-AGTGAATCTGTTGCTAAACTCTCTCAGGATCTTGCAGTCAAGGAGAAGGAGTTGGCAGTG[G>A]CTTCCATAAAAGCAGACGAAGTGAGTTTGCATTTATTTTATCACTGATGAGGAATATTTT-3'
Protein context (NP_001193856.1, residues 3305-3325): LAVKEKELAV[Ala3315Thr]SIKADEVLAE

ClinVar aggregate classification (germline): Benign. Review status: criteria provided, multiple submitters, no conflicts (2 of 4 stars). 2 submissions from 2 submitters: Benign (2). Last evaluated 2026-01-25.

Conditions:
Primary ciliary dyskinesia. Also called: Ciliary dyskinesia. Identifiers: Orphanet 244, MedGen C0008780, MONDO:0016575, HP:0012265.

Allele frequency attached by ClinVar (database versions not stated): ExAC 0.00121; gnomAD 0.00299; ESP Exome Variant Server 0.00346; TOPMed 0.00359; 1000 Genomes Project 30x 0.00375; 1000 Genomes Project 0.00399.
gnomAD v4.1: 941 of 1,612,476 alleles (0.058%); highest among the groups gnomAD compares: African/African-American, 1.1%; 8 homozygotes.

Submissions (2):

Labcorp Genetics (formerly Invitae), Labcorp
Classification: Benign for Primary ciliary dyskinesia. Last evaluated: 2026-01-25. Review status: criteria provided, single submitter. Criteria: Invitae Variant Classification Sherloc (09022015). Collection method: clinical testing. Allele origin: germline.

Mayo Clinic Laboratories, Mayo Clinic
Classification: Benign. Last evaluated: 2024-10-16. Review status: criteria provided, single submitter. Criteria: ACMG Guidelines, 2015. Collection method: clinical testing. Allele origin: germline. Observed: 1 variant allele.
Comment: BS1, BS2